The following is an entry in ClinVar:

NM_004999.4(MYO6):c.1473_1473+2delinsC

Gene: MYO6 (myosin VI; plus strand). Cytogenetic location: 6q14.1.
Variant type: Indel.
Coding change: c.1473_1473+2delinsC on transcript NM_004999.4 (MANE Select); coding-DNA position 1473 through the canonical splice donor site of the intron after coding-DNA position 1473, GGT replaced by C.
Molecular consequence: splice donor variant.
Genome position (GRCh38, 1-based): chr6:75,858,993-75,858,995, GGT replaced by C. VCF-style: chr6-75858993-GGT-C. GRCh37 (hg19) VCF-style: chr6-76568710-GGT-C.
Other names: c.1473_1473+2delinsC (NM_001368865.1, NM_001368866.1, NM_001368137.1 and 2 more transcripts); c.1458_1458+2delinsC (NM_001368138.1).
Identifiers: ClinVar variation 236034 (VCV000236034.1), dbSNP rs878853225, ClinGen allele CA10581504.

ClinVar aggregate classification (germline): Pathogenic (0 of 4 stars; one submission).

Conditions:
Autosomal dominant nonsyndromic hearing loss 22. Also called: DFNA 22; Autosomal dominant nonsyndromic deafness 22. Identifiers: Orphanet 228012, MedGen C2931767, MONDO:0011660, OMIM 606346.

Submission:

Laboratory of Prof. Karen Avraham, Tel Aviv University
Classification: Pathogenic for Autosomal dominant nonsyndromic hearing loss 22. Last evaluated: 2016-02-16. Review status: no assertion criteria provided. Collection method: research. Allele origin: germline. Affected: yes.
Comment: Childhood onset, moderate-profound HL

NSHL; dominant, DFNA22; Splice site, predict loss of exon 14, leading to stop codon 473 of 1286